The following is an entry in ClinVar:

ClinVar aggregate classification (germline): Likely benign. Review status: criteria provided, multiple submitters, no conflicts (2 of 4 stars). 3 submissions from 3 submitters: Likely benign (2). 1 of the submissions does not count toward it. Last evaluated 2026-01-13.

Conditions:
Usher syndrome type 1B (USH1B). Also called: Usher syndrome type IB. Identifiers: MedGen C1848638, MONDO:0700087.

Allele frequency attached by ClinVar (database versions not stated): ESP Exome Variant Server 0.00008; gnomAD exomes 0.00001; TOPMed 0.00001; ExAC 0.00003.
gnomAD v4.1: 7 of 1,613,462 alleles (0.00043%); highest among the groups gnomAD compares: Non-Finnish European, 0.00059%; no homozygotes.

Submissions (3):

Labcorp Genetics (formerly Invitae), Labcorp
Classification: Likely benign. Last evaluated: 2026-01-13. Review status: criteria provided, single submitter. Criteria: Invitae Variant Classification Sherloc (09022015). Collection method: clinical testing. Allele origin: germline.

CeGaT Center for Human Genetics Tuebingen
Classification: Likely benign. Last evaluated: 2023-10-01. Review status: criteria provided, single submitter. Criteria: CeGaT Center For Human Genetics Tuebingen Variant Classification Criteria Version 2. Collection method: clinical testing. Allele origin: germline. Affected: yes. Observed: 1 variant allele.
Comment: MYO7A: BP4, BP7

Natera, Inc.
Classification: Likely benign for Usher syndrome type 1B. Last evaluated: 2021-09-22. Review status: no assertion criteria provided. Collection method: clinical testing. Allele origin: germline. Not counted in ClinVar's aggregate classification.

NM_000260.4(MYO7A):c.5928T>G (p.Ala1976=)

Gene: MYO7A (myosin VIIA; plus strand). Cytogenetic location: 11q13.5.
Variant type: single nucleotide variant.
Coding change: c.5928T>G on transcript NM_000260.4 (MANE Select); coding-DNA position 5928, T replaced by G.
Protein change: p.Ala1976=; no amino-acid change (alanine 1976 retained).
Molecular consequence: synonymous variant.
Genome position (GRCh38, 1-based): chr11:77,208,501, T>G. VCF-style: chr11-77208501-T-G. GRCh37 (hg19) VCF-style: chr11-76919546-T-G.
Other names: c.5814T>G, p.Ala1938= (NM_001127180.2); c.5781T>G, p.Ala1927= (NM_001369365.1).
Identifiers: ClinVar variation 1091117 (VCV001091117.34), dbSNP rs375155751, ClinGen allele CA6198870.